The following is an entry in ClinVar:

ClinVar aggregate classification (germline): Likely pathogenic. Review status: criteria provided, single submitter (1 of 4 stars). 2 submissions from 2 submitters: Likely pathogenic (1). 1 of the submissions does not count toward it. Last evaluated 2025-11-24.

Conditions:
Mitochondrial disease. Also called: Mitochondrial disorder; Mitochondrial disorders. Identifiers: Orphanet 68380, MedGen C0751651, MeSH D028361, MONDO:0044970.
Mitochondrial DNA depletion syndrome, myopathic form (MTDPS2). Also called: MITOCHONDRIAL DNA DEPLETION MYOPATHY, TK2-RELATED; TK2-Related Mitochondrial DNA Maintenance Defect, Myopathic Form; MITOCHONDRIAL DNA DEPLETION SYNDROME 2 (MYOPATHIC TYPE). Identifiers: Orphanet 254875, MedGen C3149750, MONDO:0012301, OMIM 609560.

Allele frequency attached by ClinVar (database versions not stated): TOPMed 0.00001; gnomAD exomes below 0.00001.

Submissions (2):

Genomenon, Inc
Classification: Likely pathogenic for Mitochondrial disease. Last evaluated: 2025-11-24. Review status: criteria provided, single submitter. Criteria: Genomenon Sequence Variant Interpretation Standards - Updated. Collection method: curation. Allele origin: germline. Affected: yes.
Comment: TK2 p.Ile53Met (c.159C>G) is a missense variant that changes the amino acid at residue 53 from Isoleucine to Methionine. It is also described as I22M and I95M in the literature. This variant has been observed in a proband affected with mitochondrial disease in the homozygous state and was found to segregate with disease in this family (12391347). This variant is not present at a significant frequency in gnomAD and in silico models agree that this variant is possibly or probably damaging. In conclusion, we classify TK2 p.Ile53Met (c.159C>G) as a likely pathogenic variant.

OMIM
Classification: Pathogenic for MITOCHONDRIAL DNA DEPLETION SYNDROME 2 (MYOPATHIC TYPE). Last evaluated: 2012-02-28. Review status: no assertion criteria provided. Collection method: literature only. Allele origin: germline. Not counted in ClinVar's aggregate classification.

Literature cited by the submitters: PubMed 12391347 (cited by Genomenon, Inc and OMIM); PubMed 22345218 (cited by OMIM).

NM_004614.5(TK2):c.159C>G (p.Ile53Met)

Gene: TK2 (thymidine kinase 2; minus strand). Cytogenetic location: 16q21.
Variant type: single nucleotide variant.
Coding change: c.159C>G on transcript NM_004614.5 (MANE Select); coding-DNA position 159, C replaced by G.
Protein change: p.Ile53Met; replaces isoleucine 53 with methionine.
Molecular consequence: missense variant. On other transcripts: 5 prime UTR variant (1), non-coding transcript variant (1), intron variant (1).
Genome position (GRCh38, 1-based): chr16:66,541,951, G>C on the plus strand (C>G on the coding strand, the complement: TK2 is on the minus strand). VCF-style: chr16-66541951-G-C. GRCh37 (hg19) VCF-style: chr16-66575854-G-C.
Other names: c.66C>G, p.Ile22Met (NM_001172643.1, NM_001271935.1); c.159C>G, p.Ile53Met (NM_001172645.2); c.12C>G, p.Ile4Met (NM_001271934.2); c.-133C>G (NM_001272050.2); c.157-4934C>G (NM_001172644.2); short protein forms I53M, I4M, I22M.
Identifiers: ClinVar variation 12711 (VCV000012711.6), dbSNP rs137854432, ClinGen allele CA341232.